The following is an entry in ClinVar:

ClinVar aggregate classification (germline): Uncertain significance (1 of 4 stars; one submission).

Submission:

GeneDx
Classification: Uncertain significance. Last evaluated: 2020-12-14. Review status: criteria provided, single submitter. Criteria: GeneDx Variant Classification Process June 2021. Collection method: clinical testing. Allele origin: germline. Affected: yes.
Comment: Not observed in large population cohorts (Lek et al., 2016); In silico analysis supports that this missense variant does not alter protein structure/function; Has not been previously published as pathogenic or benign to our knowledge

NM_024577.4(SH3TC2):c.1139G>T (p.Gly380Val)

Gene: SH3TC2 (SH3 domain and tetratricopeptide repeats 2; minus strand). Cytogenetic location: 5q32.
Variant type: single nucleotide variant.
Coding change: c.1139G>T on transcript NM_024577.4 (MANE Select); coding-DNA position 1139, G replaced by T.
Protein change: p.Gly380Val; replaces glycine 380 with valine.
Molecular consequence: missense variant.
Genome position (GRCh38, 1-based): chr5:149,028,715, C>A on the plus strand (G>T on the coding strand, the complement: SH3TC2 is on the minus strand). VCF-style: chr5-149028715-C-A. GRCh37 (hg19) VCF-style: chr5-148408278-C-A.
Other names: short protein forms G380V.
Identifiers: ClinVar variation 1202546 (VCV001202546.3), dbSNP rs2127397798, ClinGen allele CA361669709.